The following is an entry in ClinVar:

ClinVar aggregate classification (germline): Uncertain significance (1 of 4 stars; one submission).

gnomAD v4.1: 1 of 1,613,836 alleles (0.000062%); highest among the groups gnomAD compares: East Asian, 0.0022%; no homozygotes.

Submission:

Labcorp Genetics (formerly Invitae), Labcorp
Classification: Uncertain significance. Last evaluated: 2023-07-08. Review status: criteria provided, single submitter. Criteria: Invitae Variant Classification Sherloc (09022015). Collection method: clinical testing. Allele origin: germline.
Comment: In summary, the available evidence is currently insufficient to determine the role of this variant in disease. Therefore, it has been classified as a Variant of Uncertain Significance. Advanced modeling of protein sequence and biophysical properties (such as structural, functional, and spatial information, amino acid conservation, physicochemical variation, residue mobility, and thermodynamic stability) performed at Invitae indicates that this missense variant is not expected to disrupt JAK1 protein function. This variant has not been reported in the literature in individuals affected with JAK1-related conditions. The frequency data for this variant in the population databases is considered unreliable, as metrics indicate poor data quality at this position in the gnomAD database. This sequence change replaces aspartic acid, which is acidic and polar, with glycine, which is neutral and non-polar, at codon 82 of the JAK1 protein (p.Asp82Gly).

NM_002227.4(JAK1):c.245A>G (p.Asp82Gly)

Gene: JAK1 (Janus kinase 1; minus strand). Cytogenetic location: 1p31.3.
Variant type: single nucleotide variant.
Coding change: c.245A>G on transcript NM_002227.4 (MANE Select); coding-DNA position 245, A replaced by G.
Protein change: p.Asp82Gly; replaces aspartic acid 82 with glycine.
Molecular consequence: missense variant.
Genome position (GRCh38, 1-based): chr1:64,879,109, T>C on the plus strand (A>G on the coding strand, the complement: JAK1 is on the minus strand). VCF-style: chr1-64879109-T-C. GRCh37 (hg19) VCF-style: chr1-65344792-T-C.
Other names: c.245A>G, p.Asp82Gly (NM_001320923.2, NM_001321852.2, NM_001321853.2 and 4 more transcripts); short protein forms D82G.
Identifiers: ClinVar variation 2788000 (VCV002788000.3), dbSNP rs1287667661, ClinGen allele CA340679129.